The following is an entry in ClinVar:

NM_000218.3(KCNQ1):c.1394-11027T>A

Genes: KCNQ1 (potassium voltage-gated channel subfamily Q member 1; plus strand), KCNQ1OT1 (KCNQ1 opposite strand/antisense transcript 1; minus strand). Cytogenetic location: 11p15.5.
Variant type: single nucleotide variant.
Coding change: c.1394-11027T>A on transcript NM_000218.3 (MANE Select); 11027 bases into the intron before coding-DNA position 1394, T replaced by A.
Molecular consequence: intron variant.
Genome position (GRCh38, 1-based): chr11:2,650,934, T>A. VCF-style: chr11-2650934-T-A. GRCh37 (hg19) VCF-style: chr11-2672164-T-A.
Other names: c.1394-11027T>A (NM_000218.2); c.1124-11027T>A (NM_001406837.1); c.1298-11027T>A (NM_001406836.1); c.854-11027T>A (NM_001406838.1); c.1013-11027T>A (NM_181798.2).
Identifiers: ClinVar variation 1694605 (VCV001694605.32), dbSNP rs77809463, ClinGen allele CA216162805.
Genomic context (GRCh38, chr11:2,650,934, plus strand): 5'-GAGGGGATGAGGAGCAGCATGCTATTTTTCTCCAAGCCTGGCTGAAAGTCTTTTTTAAAT[T>A]ATCCTTTTTTCTTAGTACCCCTTTCTAATCTATCAGTATGTCTTATCAACTCTCTGGATT-3'

ClinVar aggregate classification (germline): Likely benign. Review status: criteria provided, single submitter (1 of 4 stars). 2 submissions from 2 submitters: Likely benign (1). 1 of the submissions does not count toward it. Last evaluated 2026-09-01.

Conditions:
KCNQ1-related disorder. Also called: KCNQ1-related disorders; KCNQ1-related condition. Identifiers: MedGen CN239322.

Allele frequency attached by ClinVar (database versions not stated): 1000 Genomes Project 0.00160; 1000 Genomes Project 30x 0.00172; TOPMed 0.00287; gnomAD 0.00290 and 0.00300; gnomAD exomes 0.00427.
gnomAD v4.1: 1,503 of 398,552 alleles (0.38%); highest among the groups gnomAD compares: Non-Finnish European, 0.5%; 9 homozygotes.

Submissions (2):

CeGaT Center for Human Genetics Tuebingen
Classification: Likely benign. Last evaluated: 2026-09-01. Review status: criteria provided, single submitter. Criteria: CeGaT Center For Human Genetics Tuebingen Variant Classification Criteria Version 2. Collection method: clinical testing. Allele origin: germline. Affected: yes. Observed: 60 variant alleles.
Comment: KCNQ1OT1: BS2

PreventionGenetics, part of Exact Sciences
Classification: Likely benign for KCNQ1-related condition. Last evaluated: 2023-07-11. Review status: no assertion criteria provided. Collection method: clinical testing. Allele origin: germline. Not counted in ClinVar's aggregate classification.
Comment: This variant is classified as likely benign based on ACMG/AMP sequence variant interpretation guidelines (Richards et al. 2015 PMID: 25741868, with internal and published modifications).